The following is an entry in ClinVar:

ClinVar aggregate classification (germline): Likely benign (1 of 4 stars; one submission).

Allele frequency attached by ClinVar (database versions not stated): gnomAD exomes below 0.00001; ExAC 0.00001.

Submission:

CeGaT Center for Human Genetics Tuebingen
Classification: Likely benign. Last evaluated: 2024-04-01. Review status: criteria provided, single submitter. Criteria: CeGaT Center For Human Genetics Tuebingen Variant Classification Criteria Version 2. Collection method: clinical testing. Allele origin: germline. Affected: yes. Observed: 1 variant allele.
Comment: MMP9: BP4, BP7

NM_004994.3(MMP9):c.1380G>A (p.Gln460=)

Gene: MMP9 (matrix metallopeptidase 9; plus strand). Cytogenetic location: 20q13.12.
Variant type: single nucleotide variant.
Coding change: c.1380G>A on transcript NM_004994.3 (MANE Select); coding-DNA position 1380, G replaced by A.
Protein change: p.Gln460=; no amino-acid change (glutamine 460 retained).
Molecular consequence: synonymous variant.
Genome position (GRCh38, 1-based): chr20:46,013,304, G>A. VCF-style: chr20-46013304-G-A. GRCh37 (hg19) VCF-style: chr20-44641943-G-A.
Identifiers: ClinVar variation 3234803 (VCV003234803.20), dbSNP rs749066125, ClinGen allele CA9886726.